The following is an entry in ClinVar:

ClinVar aggregate classification (germline): Conflicting classifications of pathogenicity. Review status: criteria provided, conflicting classifications (1 of 4 stars). 4 submissions from 4 submitters: Uncertain significance (1); Likely benign (3). Last evaluated 2025-11-01.

Conditions:
Familial porphyria cutanea tarda (PCT). Also called: PCT, TYPE II; PORPHYRIA CUTANEA TARDA, TYPE II; PORPHYRIA, HEPATOCUTANEOUS TYPE; UROD DEFICIENCY; UROPORPHYRINOGEN DECARBOXYLASE DEFICIENCY; PCT, ''FAMILIAL'' TYPE. Identifiers: Orphanet 101330, Orphanet 443062, MedGen C0268323, MONDO:0008296, OMIM 176100.

Allele frequency attached by ClinVar (database versions not stated): 1000 Genomes Project 0.00020; ESP Exome Variant Server 0.00023; TOPMed 0.00025; gnomAD exomes 0.00027 and 0.00028; 1000 Genomes Project 30x 0.00031; ExAC 0.00034.
gnomAD v4.1: 478 of 1,614,150 alleles (0.03%); highest among the groups gnomAD compares: Admixed American, 0.05%; no homozygotes.

Submissions (4):

Labcorp Genetics (formerly Invitae), Labcorp
Classification: Likely benign. Last evaluated: 2025-11-01. Review status: criteria provided, single submitter. Criteria: Invitae Variant Classification Sherloc (09022015). Collection method: clinical testing. Allele origin: germline.

Mayo Clinic Laboratories, Mayo Clinic
Classification: Likely benign. Last evaluated: 2025-09-29. Review status: criteria provided, single submitter. Criteria: ACMG Guidelines, 2015. Collection method: clinical testing. Allele origin: germline. Observed: 1 variant allele.
Comment: BP4, BP7

Blueprint Genetics
Classification: Likely benign. Last evaluated: 2024-11-22. Review status: criteria provided, single submitter. Criteria: ACMG Guidelines, 2015. Collection method: clinical testing. Allele origin: germline.

Illumina Laboratory Services, Illumina
Classification: Uncertain significance for Familial porphyria cutanea tarda. Last evaluated: 2018-01-13. Review status: criteria provided, single submitter. Criteria: ICSL Variant Classification Criteria 13 December 2019. Collection method: clinical testing. Allele origin: germline.

NM_000374.5(UROD):c.774+12G>A

Gene: UROD (uroporphyrinogen decarboxylase; plus strand). Cytogenetic location: 1p34.1.
Variant type: single nucleotide variant.
Coding change: c.774+12G>A on transcript NM_000374.5 (MANE Select); 12 bases into the intron after coding-DNA position 774, G replaced by A.
Molecular consequence: intron variant.
Genome position (GRCh38, 1-based): chr1:45,014,588, G>A. VCF-style: chr1-45014588-G-A. GRCh37 (hg19) VCF-style: chr1-45480260-G-A.
Other names: p.?.
Identifiers: ClinVar variation 876224 (VCV000876224.15), dbSNP rs186269864, ClinGen allele CA825331.